The following is an entry in ClinVar:

ClinVar aggregate classification (germline): Likely benign (0 of 4 stars; one submission).

Conditions:
ABCC8-related disorder.

Allele frequency attached by ClinVar (database versions not stated): ExAC 0.00001; gnomAD exomes 0.00001; gnomAD 0.00007; TOPMed 0.00011; ESP Exome Variant Server 0.00015.
gnomAD v4.1: 24 of 1,613,500 alleles (0.0015%); highest among the groups gnomAD compares: African/African-American, 0.017%; no homozygotes.

Submission:

PreventionGenetics, part of Exact Sciences
Classification: Likely benign for ABCC8-related condition. Last evaluated: 2019-05-08. Review status: no assertion criteria provided. Collection method: clinical testing. Allele origin: germline.
Comment: This variant is classified as likely benign based on ACMG/AMP sequence variant interpretation guidelines (Richards et al. 2015 PMID: 25741868, with internal and published modifications).

NM_000352.6(ABCC8):c.3834C>T (p.Gly1278=)

Gene: ABCC8 (ATP binding cassette subfamily C member 8; minus strand). Cytogenetic location: 11p15.1.
Variant type: single nucleotide variant.
Coding change: c.3834C>T on transcript NM_000352.6 (MANE Select); coding-DNA position 3834, C replaced by T.
Protein change: p.Gly1278=; no amino-acid change (glycine 1278 retained).
Molecular consequence: synonymous variant. On other transcripts: non-coding transcript variant (1).
Genome position (GRCh38, 1-based): chr11:17,397,717, G>A on the plus strand (C>T on the coding strand, the complement: ABCC8 is on the minus strand). VCF-style: chr11-17397717-G-A. GRCh37 (hg19) VCF-style: chr11-17419264-G-A.
Other names: c.3837C>T, p.Gly1279= (NM_001287174.3); c.3900C>T, p.Gly1300= (NM_001351295.2); c.3834C>T, p.Gly1278= (NM_001351296.2); c.3831C>T, p.Gly1277= (NM_001351297.2).
Identifiers: ClinVar variation 3041607 (VCV003041607.2), dbSNP rs140414060, ClinGen allele CA5902685.